The following is an entry in ClinVar:

NM_004380.3(CREBBP):c.6636GCA[5] (p.Gln2216_Gly2217insGln)

Gene: CREBBP (CREB binding lysine acetyltransferase; minus strand). Cytogenetic location: 16p13.3.
Variant type: Microsatellite.
Coding change: c.6636GCA[5] on transcript NM_004380.3 (MANE Select); five copies in a row of the 3-base unit GCA starting at c.6636; the reference has four copies in a row; one copy, 3 bases duplicated; also written c.6645_6647dup.
Protein change: p.Gln2216_Gly2217insGln.
Molecular consequence: inframe insertion.
Genome position (GRCh38, 1-based): chr16:3,728,400-3,728,402, TGC duplicated on the plus strand (GCA on the coding strand, the reverse complement: CREBBP is on the minus strand); duplicating any 3 consecutive bases within chr16:3,728,400-3,728,413 gives the same sequence; the position shown is the placement nearest the transcript's 3' end. VCF-style (leftmost placement, unchanged base first): chr16-3728399-T-TTGC. GRCh37 (hg19) VCF-style: chr16-3778400-T-TTGC.
Other names: c.6522GCA[5], p.Gln2178_Gly2179insGln (NM_001079846.1); c.6645_6647dup (NM_004380.3).
Identifiers: ClinVar variation 1754653 (VCV001754653.12), dbSNP rs753500354, ClinGen allele CA7869037.

ClinVar aggregate classification (germline): Conflicting classifications of pathogenicity. Review status: criteria provided, conflicting classifications (1 of 4 stars). 5 submissions from 5 submitters: Uncertain significance (2); Likely benign (3). Last evaluated 2026-06-01.

Conditions:
Rubinstein-Taybi syndrome due to CREBBP mutations (RSTS1). Also called: BROAD THUMBS AND GREAT TOES, CHARACTERISTIC FACIES, AND IMPAIRED INTELLECTUAL DEVELOPMENT; Rubinstein-Taybi syndrome 1; RUBINSTEIN-TAYBI SYNDROME 1, INCOMPLETE; BROAD THUMB-HALLUX SYNDROME; RUBINSTEIN SYNDROME; CREBBP-Related Rubinstein-Taybi Syndrome. Identifiers: Orphanet 353277, Orphanet 783, MedGen C4551859, MONDO:0008393, OMIM 180849.
Menke-Hennekam syndrome 1 (MKHK1). Identifiers: MedGen C5193034, MONDO:0020763, OMIM 618332.
Rubinstein-Taybi syndrome (RSTS). Identifiers: Orphanet 783, MedGen C0035934, MONDO:0019188.
CREBBP-related disorder. Also called: CREBBP-related condition; CREBBP-related disorders.
Inborn genetic diseases. Identifiers: MedGen C0950123, MeSH D030342.

Submissions (5):

CeGaT Center for Human Genetics Tuebingen
Classification: Likely benign. Last evaluated: 2026-06-01. Review status: criteria provided, single submitter. Criteria: CeGaT Center For Human Genetics Tuebingen Variant Classification Criteria Version 2. Collection method: clinical testing. Allele origin: germline. Affected: yes. Observed: 1 variant allele.
Comment: CREBBP: BP3

Labcorp Genetics (formerly Invitae), Labcorp
Classification: Uncertain significance for Rubinstein-Taybi syndrome. Last evaluated: 2025-12-19. Review status: criteria provided, single submitter. Criteria: Invitae Variant Classification Sherloc (09022015). Collection method: clinical testing. Allele origin: germline.
Comment: This variant, c.6645_6647dup, results in the insertion of 1 amino acid(s) of the CREBBP protein (p.Gln2216dup), but otherwise preserves the integrity of the reading frame. The frequency data for this variant in the population databases is considered unreliable, as metrics indicate poor data quality at this position in the gnomAD database. This variant has not been reported in the literature in individuals affected with CREBBP-related conditions. Experimental studies and prediction algorithms are not available or were not evaluated, and the functional significance of this variant is currently unknown. In summary, the available evidence is currently insufficient to determine the role of this variant in disease. Therefore, it has been classified as a Variant of Uncertain Significance.

PreventionGenetics, part of Exact Sciences
Classification: Likely benign for CREBBP-related condition. Last evaluated: 2025-02-27. Review status: criteria provided, single submitter. Criteria: ACMG Guidelines, 2015. Collection method: clinical testing. Allele origin: germline.
Comment: This variant is classified as likely benign based on ACMG/AMP sequence variant interpretation guidelines (Richards et al. 2015 PMID: 25741868, with internal and published modifications).

Fulgent Genetics
Classification: Uncertain significance for Rubinstein-Taybi syndrome due to CREBBP mutations; Menke-Hennekam syndrome 1. Last evaluated: 2024-02-11. Review status: criteria provided, single submitter. Criteria: ACMG Guidelines, 2015. Collection method: clinical testing. Allele origin: germline.

Ambry Genetics
Classification: Likely benign for Inborn genetic diseases. Last evaluated: 2018-03-06. Review status: criteria provided, single submitter. Criteria: Ambry Variant Classification Scheme 2023. Collection method: clinical testing. Allele origin: germline.